The following is an entry in ClinVar:

NM_002838.5(PTPRC):c.583+1G>T

Gene: PTPRC (protein tyrosine phosphatase receptor type C; plus strand). Cytogenetic location: 1q32.1.
Variant type: single nucleotide variant.
Coding change: c.583+1G>T on transcript NM_002838.5 (MANE Select); the canonical splice donor site of the intron after coding-DNA position 583, G replaced by T.
Molecular consequence: splice donor variant. On other transcripts: intron variant (1).
Genome position (GRCh38, 1-based): chr1:198,702,531, G>T. VCF-style: chr1-198702531-G-T. GRCh37 (hg19) VCF-style: chr1-198671660-G-T.
Other names: c.101-767G>T (NM_080921.4).
Identifiers: ClinVar variation 2911403 (VCV002911403.6), dbSNP rs137869655, ClinGen allele CA1314530.

ClinVar aggregate classification (germline): Conflicting classifications of pathogenicity. Review status: criteria provided, conflicting classifications (1 of 4 stars). 3 submissions from 3 submitters: Likely pathogenic (2); Uncertain significance (1). Last evaluated 2024-05-11.

Conditions:
Immunodeficiency 104. Also called: SCID, AUTOSOMAL RECESSIVE, T CELL-NEGATIVE, B CELL-POSITIVE, NK CELL-POSITIVE; Severe Combined Immune Deficiency, Autosomal Recessive, TCell -Negative, B Cell-Positive, NK Cell-Positive, IL7R-Related; Severe combined immunodeficiency, autosomal recessive, T cell-negative, B cell-positive, NK cell-positive; IMMUNODEFICIENCY 104, SEVERE COMBINED. Identifiers: MedGen C5676890, MONDO:0012163, OMIM 608971.
Immunodeficiency 105 (IMD105). Also called: Immunodeficiency 105, severe combined. Identifiers: MedGen C5677005, MONDO:0800104, OMIM 619924.

Allele frequency attached by ClinVar (database versions not stated): ExAC 0.00002.
gnomAD v4.1: 5 of 1,614,110 alleles (0.00031%); highest among the groups gnomAD compares: East Asian, 0.011%; no homozygotes.

Submissions (3):

Fulgent Genetics
Classification: Likely pathogenic for Immunodeficiency 105. Last evaluated: 2024-05-11. Review status: criteria provided, single submitter. Criteria: ACMG Guidelines, 2015. Collection method: clinical testing. Allele origin: germline.

Labcorp Genetics (formerly Invitae), Labcorp
Classification: Likely pathogenic for Immunodeficiency 104. Last evaluated: 2023-06-20. Review status: criteria provided, single submitter. Criteria: Invitae Variant Classification Sherloc (09022015). Collection method: clinical testing. Allele origin: germline.
Comment: Algorithms developed to predict the effect of sequence changes on RNA splicing suggest that this variant may disrupt the consensus splice site. In summary, the currently available evidence indicates that the variant is pathogenic, but additional data are needed to prove that conclusively. Therefore, this variant has been classified as Likely Pathogenic. This variant has not been reported in the literature in individuals affected with PTPRC-related conditions. This sequence change affects a donor splice site in intron 6 of the PTPRC gene. It is expected to disrupt RNA splicing. Variants that disrupt the donor or acceptor splice site typically lead to a loss of protein function (PMID: 16199547), and loss-of-function variants in PTPRC are known to be pathogenic (PMID: 10700239). This variant is present in population databases (rs137869655, gnomAD 0.03%).

Juno Genomics, Hangzhou Juno Genomics, Inc
Classification: Uncertain significance for Immunodeficiency 105. Review status: criteria provided, single submitter. Criteria: ACMG Guidelines, 2015. Collection method: clinical testing. Allele origin: germline.
Comment: Null variant in a gene where loss of function (LOF) is a known mechanism of disease.;Absent from controls (or at extremely low frequency if recessive) in Genome Aggregation Database.

Literature cited by the submitters: PubMed 16199547 (cited by Labcorp Genetics (formerly Invitae), Labcorp); PubMed 10700239 (cited by Labcorp Genetics (formerly Invitae), Labcorp).